The following is an entry in ClinVar:

NM_001042492.3(NF1):c.7775A>G (p.His2592Arg)

Gene: NF1 (neurofibromin 1; plus strand). Cytogenetic location: 17q11.2.
Variant type: single nucleotide variant.
Coding change: c.7775A>G on transcript NM_001042492.3 (MANE Select); coding-DNA position 7775, A replaced by G.
Protein change: p.His2592Arg; replaces histidine 2592 with arginine.
Molecular consequence: missense variant.
Genome position (GRCh38, 1-based): chr17:31,356,996, A>G. VCF-style: chr17-31356996-A-G. GRCh37 (hg19) VCF-style: chr17-29684014-A-G.
Other names: c.7712A>G, p.His2571Arg (NM_000267.4); short protein forms H2571R, H2592R.
Identifiers: ClinVar variation 2098234 (VCV002098234.6), dbSNP rs1597866394, ClinGen allele CA399018426.

ClinVar aggregate classification (germline): Conflicting classifications of pathogenicity. Review status: criteria provided, conflicting classifications (1 of 4 stars). 2 submissions from 2 submitters: Uncertain significance (1); Likely benign (1). Last evaluated 2026-08-04.

Conditions:
Hereditary cancer-predisposing syndrome. Also called: Tumor predisposition; Hereditary Cancer Syndrome; Hereditary neoplastic syndrome; Neoplastic Syndromes, Hereditary. Identifiers: Orphanet 140162, MedGen C0027672, MeSH D009386, MONDO:0015356.
Cardiovascular phenotype. Identifiers: MedGen CN230736.
Neurofibromatosis, type 1 (NF1). Also called: NEUROFIBROMATOSIS, TYPE I, SOMATIC; Peripheral type neurofibromatosis; VON RECKLINGHAUSEN DISEASE; Neurofibromatosis, type I. Identifiers: Orphanet 636, MedGen C0027831, MONDO:0018975, OMIM 162200. Disease mechanism: loss of function.

Submissions (2):

Ambry Genetics
Classification: Likely benign for Cardiovascular phenotype; Hereditary cancer-predisposing syndrome. Last evaluated: 2026-08-04. Review status: criteria provided, single submitter. Criteria: Ambry Variant Classification Scheme 2023. Collection method: clinical testing. Allele origin: germline.

Labcorp Genetics (formerly Invitae), Labcorp
Classification: Uncertain significance for Neurofibromatosis, type 1. Last evaluated: 2022-02-18. Review status: criteria provided, single submitter. Criteria: Invitae Variant Classification Sherloc (09022015). Collection method: clinical testing. Allele origin: germline.
Comment: This sequence change replaces histidine, which is basic and polar, with arginine, which is basic and polar, at codon 2571 of the NF1 protein (p.His2571Arg). In summary, the available evidence is currently insufficient to determine the role of this variant in disease. Therefore, it has been classified as a Variant of Uncertain Significance. Advanced modeling of protein sequence and biophysical properties (such as structural, functional, and spatial information, amino acid conservation, physicochemical variation, residue mobility, and thermodynamic stability) performed at Invitae indicates that this missense variant is not expected to disrupt NF1 protein function. This variant has not been reported in the literature in individuals affected with NF1-related conditions. This variant is not present in population databases (gnomAD no frequency).